The following is an entry in ClinVar:

ClinVar aggregate classification (germline): Uncertain significance (1 of 4 stars; one submission).

Allele frequency attached by ClinVar (database versions not stated): gnomAD exomes below 0.00001.

Submission:

Labcorp Genetics (formerly Invitae), Labcorp
Classification: Uncertain significance. Last evaluated: 2021-10-11. Review status: criteria provided, single submitter. Criteria: Invitae Variant Classification Sherloc (09022015). Collection method: clinical testing. Allele origin: germline.
Comment: In summary, the available evidence is currently insufficient to determine the role of this variant in disease. Therefore, it has been classified as a Variant of Uncertain Significance. This variant has not been reported in the literature in individuals with CLCC1-related conditions. This variant is not present in population databases (ExAC no frequency). This sequence change creates a premature translational stop signal (p.Ser156Lysfs*2) in the CLCC1 gene. It is expected to result in an absent or disrupted protein product. However, the current clinical and genetic evidence is not sufficient to establish whether loss-of-function variants in CLCC1 cause disease.

NM_001377458.1(CLCC1):c.464dup (p.Ser156fs)

Gene: CLCC1 (chloride channel CLIC like 1; minus strand). Cytogenetic location: 1p13.3.
Variant type: Duplication.
Coding change: c.464dup on transcript NM_001377458.1 (MANE Select); coding-DNA position 464, one base duplicated (T; older notation c.464dupT).
Protein change: p.Ser156fs; shifts the reading frame from serine 156.
Molecular consequence: frameshift variant. On other transcripts: non-coding transcript variant (1), intron variant (3).
Genome position (GRCh38, 1-based): chr1:108,943,933, A duplicated on the plus strand (T on the coding strand, the reverse complement: CLCC1 is on the minus strand). VCF-style (leftmost placement, unchanged base first): chr1-108943932-T-TA. GRCh37 (hg19) VCF-style: chr1-109486554-T-TA.
Other names: c.464dup, p.Ser156fs (NM_001048210.3, NM_001377459.1, NM_001377460.1 and 8 more transcripts); c.362dup, p.Ser122fs (NM_001377469.1); c.173dup, p.Ser59fs (NM_001377470.1); c.340-26dup (NM_015127.5); c.340-2435dup (NM_001278202.2); c.339+3678dup (NM_001278203.1); short protein forms S156fs, S59fs, S122fs.
Identifiers: ClinVar variation 1488409 (VCV001488409.6), dbSNP rs1557894863, ClinGen allele CA525625240.